The following is an entry in ClinVar:

ClinVar aggregate classification (germline): Likely benign. Review status: criteria provided, single submitter (1 of 4 stars). 2 submissions from 2 submitters: Likely benign (1). 1 of the submissions does not count toward it. Last evaluated 2022-06-29.

Conditions:
KANK2-related disorder. Also called: KANK2-related condition.

Allele frequency attached by ClinVar (database versions not stated): 1000 Genomes Project 30x 0.00016; 1000 Genomes Project 0.00020.
gnomAD v4.1: 118 of 1,612,338 alleles (0.0073%); highest among the groups gnomAD compares: Middle Eastern, 0.017%; 1 homozygote.

Submissions (2):

Labcorp Genetics (formerly Invitae), Labcorp
Classification: Likely benign. Last evaluated: 2022-06-29. Review status: criteria provided, single submitter. Criteria: Invitae Variant Classification Sherloc (09022015). Collection method: clinical testing. Allele origin: germline.

PreventionGenetics, part of Exact Sciences
Classification: Likely benign for KANK2-related condition. Last evaluated: 2020-02-19. Review status: no assertion criteria provided. Collection method: clinical testing. Allele origin: germline. Not counted in ClinVar's aggregate classification.
Comment: This variant is classified as likely benign based on ACMG/AMP sequence variant interpretation guidelines (Richards et al. 2015 PMID: 25741868, with internal and published modifications).

NM_001136191.3(KANK2):c.1050C>G (p.Pro350=)

Gene: KANK2 (KN motif and ankyrin repeat domains 2; minus strand). Cytogenetic location: 19p13.2.
Variant type: single nucleotide variant.
Coding change: c.1050C>G on transcript NM_001136191.3 (MANE Select); coding-DNA position 1050, C replaced by G.
Protein change: p.Pro350=; no amino-acid change (proline 350 retained).
Molecular consequence: synonymous variant.
Genome position (GRCh38, 1-based): chr19:11,193,030, G>C on the plus strand (C>G on the coding strand, the complement: KANK2 is on the minus strand). VCF-style: chr19-11193030-G-C. GRCh37 (hg19) VCF-style: chr19-11303706-G-C.
Other names: c.1050C>G, p.Pro350= (NM_001329451.2, NM_001379548.1, NM_001379549.1 and 15 more transcripts).
Identifiers: ClinVar variation 2187911 (VCV002187911.6), dbSNP rs143966820, ClinGen allele CA9205911.